The following is an entry in ClinVar:

NM_205836.3(FBXO38):c.977G>A (p.Arg326Gln)

Gene: FBXO38 (F-box protein 38; plus strand). Cytogenetic location: 5q32.
Variant type: single nucleotide variant.
Coding change: c.977G>A on transcript NM_205836.3 (MANE Select); coding-DNA position 977, G replaced by A.
Protein change: p.Arg326Gln; replaces arginine 326 with glutamine.
Molecular consequence: missense variant.
Genome position (GRCh38, 1-based): chr5:148,410,649, G>A. VCF-style: chr5-148410649-G-A. GRCh37 (hg19) VCF-style: chr5-147790212-G-A.
Other names: c.977G>A, p.Arg326Gln (NM_001271723.2, NM_030793.5); short protein forms R326Q.
Identifiers: ClinVar variation 3704682 (VCV003704682.2).

ClinVar aggregate classification (germline): Uncertain significance (1 of 4 stars; one submission).

Conditions:
Distal hereditary motor neuropathy type 2. Identifiers: Orphanet 139525, MedGen C3711384, MeSH C580044, MONDO:0015352.

gnomAD v4.1: 7 of 1,613,736 alleles (0.00043%); highest among the groups gnomAD compares: East Asian, 0.0022%; no homozygotes.

Submission:

Labcorp Genetics (formerly Invitae), Labcorp
Classification: Uncertain significance for Distal hereditary motor neuropathy type 2. Last evaluated: 2024-07-16. Review status: criteria provided, single submitter. Criteria: Invitae Variant Classification Sherloc (09022015). Collection method: clinical testing. Allele origin: germline.
Comment: This sequence change replaces arginine, which is basic and polar, with glutamine, which is neutral and polar, at codon 326 of the FBXO38 protein (p.Arg326Gln). This variant is present in population databases (no rsID available, gnomAD 0.005%). This variant has not been reported in the literature in individuals affected with FBXO38-related conditions. Advanced modeling of protein sequence and biophysical properties (such as structural, functional, and spatial information, amino acid conservation, physicochemical variation, residue mobility, and thermodynamic stability) performed at Invitae indicates that this missense variant is expected to disrupt FBXO38 protein function with a positive predictive value of 80%. In summary, the available evidence is currently insufficient to determine the role of this variant in disease. Therefore, it has been classified as a Variant of Uncertain Significance.